The following is an entry in ClinVar:

ClinVar aggregate classification (germline): Benign (1 of 4 stars; one submission).

Allele frequency attached by ClinVar (database versions not stated): TOPMed 0.29590; 1000 Genomes Project 0.37181; gnomAD 0.26952; 1000 Genomes Project 30x 0.37945.

Submission:

GeneDx
Classification: Benign. Last evaluated: 2018-06-19. Review status: criteria provided, single submitter. Criteria: GeneDx Variant Classification (06012015). Collection method: clinical testing. Allele origin: germline. Affected: yes.
Comment: This variant is considered likely benign or benign based on one or more of the following criteria: it is a conservative change, it occurs at a poorly conserved position in the protein, it is predicted to be benign by multiple in silico algorithms, and/or has population frequency not consistent with disease.

NM_016373.4(WWOX):c.791+203G>C

Gene: WWOX (WW domain containing oxidoreductase; plus strand). Cytogenetic location: 16q23.1.
Variant type: single nucleotide variant.
Coding change: c.791+203G>C on transcript NM_016373.4 (MANE Select); 203 bases into the intron after coding-DNA position 791, G replaced by C.
Molecular consequence: intron variant.
Genome position (GRCh38, 1-based): chr16:78,425,258, G>C. VCF-style: chr16-78425258-G-C. GRCh37 (hg19) VCF-style: chr16-78459155-G-C.
Other names: c.452+203G>C (NM_001291997.2).
Identifiers: ClinVar variation 670868 (VCV000670868.1), dbSNP rs4129722, ClinGen allele CA14287097.